The following is an entry in ClinVar:

NM_001384125.1(BLTP1):c.13592G>A (p.Ser4531Asn)

Gene: BLTP1 (bridge-like lipid transfer protein family member 1; plus strand). Cytogenetic location: 4q27.
Variant type: single nucleotide variant.
Coding change: c.13592G>A on transcript NM_001384125.1 (MANE Select); coding-DNA position 13592, G replaced by A.
Protein change: p.Ser4531Asn; replaces serine 4531 with asparagine.
Molecular consequence: missense variant.
Genome position (GRCh38, 1-based): chr4:122,349,205, G>A. VCF-style: chr4-122349205-G-A. GRCh37 (hg19) VCF-style: chr4-123270360-G-A.
Other names: c.13328G>A, p.Ser4443Asn (NM_015312.4); short protein forms S4443N, S4531N.
Identifiers: ClinVar variation 1878951 (VCV001878951.1), dbSNP rs1790852019, ClinGen allele CA358092166.

ClinVar aggregate classification (germline): Uncertain significance (1 of 4 stars; one submission).

Allele frequency attached by ClinVar (database versions not stated): TOPMed below 0.00001.

Submission:

GeneDx
Classification: Uncertain significance. Last evaluated: 2022-07-11. Review status: criteria provided, single submitter. Criteria: GeneDx Variant Classification Process June 2021. Collection method: clinical testing. Allele origin: germline. Affected: yes.
Comment: Not observed at significant frequency in large population cohorts (gnomAD); In silico analysis supports that this missense variant has a deleterious effect on protein structure/function; Has not been previously published as pathogenic or benign to our knowledge